The following is an entry in ClinVar:

ClinVar aggregate classification (germline): Uncertain significance (1 of 4 stars; one submission).

Conditions:
Rienhoff syndrome. Also called: LOEYS-DIETZ SYNDROME 5. Identifiers: MedGen C3810012, MONDO:0014262, OMIM 615582.

Submission:

Centre for Mendelian Genomics, University Medical Centre Ljubljana
Classification: Uncertain significance for Rienhoff syndrome. Last evaluated: 2020-03-24. Review status: criteria provided, single submitter. Criteria: ACMG Guidelines, 2015. Collection method: clinical testing. Allele origin: unknown. Affected: yes.
Comment: This variant was classified as: Uncertain significance. The following ACMG criteria were applied in classifying this variant: PM2,PP3,BP1.

NM_003239.5(TGFB3):c.919T>C (p.Cys307Arg)

Gene: TGFB3 (transforming growth factor beta 3; minus strand). Cytogenetic location: 14q24.3.
Variant type: single nucleotide variant.
Coding change: c.919T>C on transcript NM_003239.5 (MANE Select); coding-DNA position 919, T replaced by C.
Protein change: p.Cys307Arg; replaces cysteine 307 with arginine.
Molecular consequence: missense variant.
Genome position (GRCh38, 1-based): chr14:75,963,323, A>G on the plus strand (T>C on the coding strand, the complement: TGFB3 is on the minus strand). VCF-style: chr14-75963323-A-G. GRCh37 (hg19) VCF-style: chr14-76429666-A-G.
Other names: c.919T>C, p.Cys307Arg (NM_001329938.2, NM_001329939.2); short protein forms C307R.
Identifiers: ClinVar variation 931333 (VCV000931333.3), dbSNP rs2035180317, ClinGen allele CA390468145.